The following is an entry in ClinVar:

NM_001330260.2(SCN8A):c.3932A>T (p.Glu1311Val)

Gene: SCN8A (sodium voltage-gated channel alpha subunit 8; plus strand). Cytogenetic location: 12q13.13.
Variant type: single nucleotide variant.
Coding change: c.3932A>T on transcript NM_001330260.2 (MANE Select); coding-DNA position 3932, A replaced by T.
Protein change: p.Glu1311Val; replaces glutamic acid 1311 with valine.
Molecular consequence: missense variant. On other transcripts: intron variant (2).
Genome position (GRCh38, 1-based): chr12:51,780,761, A>T. VCF-style: chr12-51780761-A-T. GRCh37 (hg19) VCF-style: chr12-52174545-A-T.
Other names: c.3932A>T, p.Glu1311Val (NM_014191.4); c.3820-5781A>T (NM_001177984.3, NM_001369788.1); short protein forms E1311V.
Identifiers: ClinVar variation 2842560 (VCV002842560.3), dbSNP rs2540292619, ClinGen allele CA384901629.

ClinVar aggregate classification (germline): Uncertain significance (1 of 4 stars; one submission).

Conditions:
Early-infantile DEE. Also called: Early infantile epileptic encephalopathy; Early infantile epileptic encephalopathy with suppression bursts; Ohtahara syndrome. Identifiers: Orphanet 1934, MedGen C0393706, MONDO:0800491.

Submission:

Labcorp Genetics (formerly Invitae), Labcorp
Classification: Uncertain significance for Early-infantile DEE. Last evaluated: 2023-03-03. Review status: criteria provided, single submitter. Criteria: Invitae Variant Classification Sherloc (09022015). Collection method: clinical testing. Allele origin: germline.
Comment: This sequence change replaces glutamic acid, which is acidic and polar, with valine, which is neutral and non-polar, at codon 1311 of the SCN8A protein (p.Glu1311Val). This variant has not been reported in the literature in individuals affected with SCN8A-related conditions. This variant is not present in population databases (gnomAD no frequency). Advanced modeling of protein sequence and biophysical properties (such as structural, functional, and spatial information, amino acid conservation, physicochemical variation, residue mobility, and thermodynamic stability) performed at Invitae indicates that this missense variant is expected to disrupt SCN8A protein function. In summary, the available evidence is currently insufficient to determine the role of this variant in disease. Therefore, it has been classified as a Variant of Uncertain Significance.